The following is an entry in ClinVar:

NM_014915.3(ANKRD26):c.622G>A (p.Val208Ile)

Gene: ANKRD26 (ankyrin repeat domain 26; minus strand). Cytogenetic location: 10p12.1.
Variant type: single nucleotide variant.
Coding change: c.622G>A on transcript NM_014915.3 (MANE Select); coding-DNA position 622, G replaced by A.
Protein change: p.Val208Ile; replaces valine 208 with isoleucine.
Molecular consequence: missense variant.
Genome position (GRCh38, 1-based): chr10:27,092,422, C>T on the plus strand (G>A on the coding strand, the complement: ANKRD26 is on the minus strand). VCF-style: chr10-27092422-C-T. GRCh37 (hg19) VCF-style: chr10-27381351-C-T.
Other names: c.622G>A, p.Val208Ile (NM_001256053.2); short protein forms V208I.
Identifiers: ClinVar variation 4578997 (VCV004578997.1).

ClinVar aggregate classification (germline): Uncertain significance (1 of 4 stars; one submission).

Conditions:
Inborn genetic diseases. Identifiers: MedGen C0950123, MeSH D030342.

Submission:

Ambry Genetics
Classification: Uncertain significance for Inborn genetic diseases. Last evaluated: 2025-09-28. Review status: criteria provided, single submitter. Criteria: Ambry Variant Classification Scheme 2023. Collection method: clinical testing. Allele origin: germline.
Comment: The p.V208I variant (also known as c.622G>A), located in coding exon 4 of the ANKRD26 gene, results from a G to A substitution at nucleotide position 622. The valine at codon 208 is replaced by isoleucine, an amino acid with highly similar properties. This amino acid position is conserved. In addition, this alteration is predicted to be tolerated by in silico analysis. Based on the available evidence, the clinical significance of this variant remains unclear.